The following is an entry in ClinVar:

ClinVar aggregate classification (germline): Uncertain significance (1 of 4 stars; one submission).

Allele frequency attached by ClinVar (database versions not stated): TOPMed below 0.00001; gnomAD 0.00001; gnomAD exomes 0.00001.

Submission:

CeGaT Center for Human Genetics Tuebingen
Classification: Uncertain significance. Last evaluated: 2022-12-01. Review status: criteria provided, single submitter. Criteria: CeGaT Center For Human Genetics Tuebingen Variant Classification Criteria Version 2. Collection method: clinical testing. Allele origin: germline. Affected: yes. Observed: 1 variant allele.
Comment: KIF21B: PS2

NM_001252102.2(KIF21B):c.2216C>T (p.Ser739Leu)

Gene: KIF21B (kinesin family member 21B; minus strand). Cytogenetic location: 1q32.1.
Variant type: single nucleotide variant.
Coding change: c.2216C>T on transcript NM_001252102.2 (MANE Select); coding-DNA position 2216, C replaced by T.
Protein change: p.Ser739Leu; replaces serine 739 with leucine.
Molecular consequence: missense variant.
Genome position (GRCh38, 1-based): chr1:200,996,257, G>A on the plus strand (C>T on the coding strand, the complement: KIF21B is on the minus strand). VCF-style: chr1-200996257-G-A. GRCh37 (hg19) VCF-style: chr1-200965385-G-A.
Other names: c.2216C>T, p.Ser739Leu (NM_001252100.2, NM_001252103.2, NM_017596.4); short protein forms S739L.
Identifiers: ClinVar variation 2639734 (VCV002639734.24), dbSNP rs1240133411, ClinGen allele CA344143940.